The following is an entry in ClinVar:

NM_001994.3(F13B):c.765C>T (p.Cys255=)

Gene: F13B (coagulation factor XIII B chain; minus strand). Cytogenetic location: 1q31.3.
Variant type: single nucleotide variant.
Coding change: c.765C>T on transcript NM_001994.3 (MANE Select); coding-DNA position 765, C replaced by T.
Protein change: p.Cys255=; no amino-acid change (cysteine 255 retained).
Molecular consequence: synonymous variant.
Genome position (GRCh38, 1-based): chr1:197,060,406, G>A on the plus strand (C>T on the coding strand, the complement: F13B is on the minus strand). VCF-style: chr1-197060406-G-A. GRCh37 (hg19) VCF-style: chr1-197029536-G-A.
Other names: p.Cys255=.
Identifiers: ClinVar variation 787218 (VCV000787218.9), dbSNP rs5994, ClinGen allele CA1308492.

ClinVar aggregate classification (germline): Conflicting classifications of pathogenicity. Review status: criteria provided, conflicting classifications (1 of 4 stars). 3 submissions from 3 submitters: Uncertain significance (1); Benign (2). Last evaluated 2025-07-17.

Conditions:
Factor XIII, b subunit, deficiency of. Also called: Factor XIII subunit B deficiency. Identifiers: Orphanet 331, MedGen C2750481, MONDO:0013190, OMIM 613235, HP:0040234.

Allele frequency attached by ClinVar (database versions not stated): gnomAD exomes 0.00072 and 0.00187; ExAC 0.00238; 1000 Genomes Project 0.00619; 1000 Genomes Project 30x 0.00687; gnomAD 0.00745 and 0.00807; TOPMed 0.00801; ESP Exome Variant Server 0.00877.
gnomAD v4.1: 2,276 of 1,612,346 alleles (0.14%); highest among the groups gnomAD compares: African/African-American, 2.7%; 31 homozygotes.

Submissions (3):

Mayo Clinic Laboratories, Mayo Clinic
Classification: Benign. Last evaluated: 2025-07-17. Review status: criteria provided, single submitter. Criteria: ACMG Guidelines, 2015. Collection method: clinical testing. Allele origin: germline. Observed: 1 variant allele.
Comment: BS1, BS2, BP4, BP7

Labcorp Genetics (formerly Invitae), Labcorp
Classification: Benign. Last evaluated: 2019-12-31. Review status: criteria provided, single submitter. Criteria: Invitae Variant Classification Sherloc (09022015). Collection method: clinical testing. Allele origin: germline.

Illumina Laboratory Services, Illumina
Classification: Uncertain significance for Factor XIII, b subunit, deficiency of. Last evaluated: 2018-01-13. Review status: criteria provided, single submitter. Criteria: ICSL Variant Classification Criteria 13 December 2019. Collection method: clinical testing. Allele origin: germline.